The following is an entry in ClinVar:

NM_004715.5(CTDP1):c.183C>T (p.Ser61=)

Gene: CTDP1 (CTD phosphatase 1; plus strand). Cytogenetic location: 18q23.
Variant type: single nucleotide variant.
Coding change: c.183C>T on transcript NM_004715.5 (MANE Select); coding-DNA position 183, C replaced by T.
Protein change: p.Ser61=; no amino-acid change (serine 61 retained).
Molecular consequence: synonymous variant.
Genome position (GRCh38, 1-based): chr18:79,680,130, C>T. VCF-style: chr18-79680130-C-T. GRCh37 (hg19) VCF-style: chr18-77440130-C-T.
Other names: c.183C>T, p.Ser61= (NM_001318511.2, NM_048368.4).
Identifiers: ClinVar variation 4823209 (VCV004823209.4).

ClinVar aggregate classification (germline): Likely benign (1 of 4 stars; one submission).

gnomAD v4.1: 4 of 1,430,474 alleles (0.00028%); highest among the groups gnomAD compares: East Asian, 0.0031%; no homozygotes.

Submission:

CeGaT Center for Human Genetics Tuebingen
Classification: Likely benign. Last evaluated: 2026-02-01. Review status: criteria provided, single submitter. Criteria: CeGaT Center For Human Genetics Tuebingen Variant Classification Criteria Version 2. Collection method: clinical testing. Allele origin: germline. Affected: yes. Observed: 1 variant allele.
Comment: CTDP1: BP4, BP7